The following is an entry in ClinVar:

ClinVar aggregate classification (germline): Conflicting classifications of pathogenicity. Review status: criteria provided, conflicting classifications (1 of 4 stars). 4 submissions from 4 submitters: Pathogenic (1); Likely pathogenic (2); Uncertain significance (1). Last evaluated 2026-05-21.

Conditions:
Inborn genetic diseases. Identifiers: MedGen C0950123, MeSH D030342.
Intellectual disability-severe speech delay-mild dysmorphism syndrome (IDDLA). Also called: Intellectual developmental disorder with language impairment AND with or without autistic features; Mental retardation with language impairment and autistic features; FOXP1 Syndrome. Identifiers: Orphanet 391372, MedGen C4013764, MONDO:0013352, OMIM 613670.

gnomAD v4.1: 2 of 1,613,884 alleles (0.00012%); highest among the groups gnomAD compares: Non-Finnish European, 0.00017%; no homozygotes.

Submissions (4):

Ambry Genetics
Classification: Uncertain significance for Inborn genetic diseases. Last evaluated: 2026-05-21. Review status: criteria provided, single submitter. Criteria: Ambry Variant Classification Scheme 2023. Collection method: clinical testing. Allele origin: germline.
Comment: The c.511-1G>A intronic variant consists of a G to A substitution one nucleotide before exon 10 (coding exon 5) of the FOXP1 gene. Variants that disrupt the canonical splice site are expected to result in aberrant splicing. The resulting transcript is predicted to be in-frame and is not expected to trigger nonsense-mediated mRNA decay, although direct evidence is unavailable. This variant was not reported in population-based cohorts in the Genome Aggregation Database (gnomAD). This variant was reported in individual(s) with autistic features with or without seizures (Meerschaut, 2017; Wright, 2024). Based on insufficient or conflicting evidence, the clinical significance of this alteration remains unclear.

Institute of Immunology and Genetics Kaiserslautern
Classification: Pathogenic for Intellectual disability-severe speech delay-mild dysmorphism syndrome. Last evaluated: 2026-01-08. Review status: criteria provided, single submitter. Criteria: ACMG Guidelines, 2015. Collection method: clinical testing. Allele origin: de novo. Affected: yes.
Comment: ACMG Criteria: PVS1, PS4, PM2, PM6; Variant was found in a heterozygous state. De novo-status was assumed after via in-house segregation analysis in the father.

GeneDx
Classification: Likely pathogenic. Last evaluated: 2025-10-18. Review status: criteria provided, single submitter. Criteria: GeneDx Variant Classification Process June 2021. Collection method: clinical testing. Allele origin: germline.
Comment: Identified in an individual with speech delay, autistic features, seizures, and dysmorphic features, however familial segregation studies were not completed (PMID: 28735298); Canonical splice site variant predicted to result in a null allele in a gene for which loss of function is a known mechanism of disease; Not observed at significant frequency in large population cohorts (gnomAD); This variant is associated with the following publications: (PMID: 28735298, 38958063)

Labcorp Genetics (formerly Invitae), Labcorp
Classification: Likely pathogenic. Last evaluated: 2025-05-14. Review status: criteria provided, single submitter. Criteria: Invitae Variant Classification Sherloc (09022015). Collection method: clinical testing. Allele origin: germline.
Comment: This sequence change affects an acceptor splice site in intron 9 of the FOXP1 gene. It is expected to disrupt RNA splicing. Variants that disrupt the donor or acceptor splice site typically lead to a loss of protein function (PMID: 16199547), and loss-of-function variants in FOXP1 are known to be pathogenic (PMID: 28735298). This variant is not present in population databases (gnomAD no frequency). Disruption of this splice site has been observed in individual(s) with intellectual disability (PMID: 28735298). Algorithms developed to predict the effect of sequence changes on RNA splicing suggest that this variant may disrupt the consensus splice site. In summary, the currently available evidence indicates that the variant is pathogenic, but additional data are needed to prove that conclusively. Therefore, this variant has been classified as Likely Pathogenic.

Literature cited by the submitters: PubMed 28735298 (cited by Ambry Genetics and Labcorp Genetics (formerly Invitae), Labcorp); PubMed 38958063 (cited by Ambry Genetics); PubMed 16199547 (cited by Labcorp Genetics (formerly Invitae), Labcorp).

NM_001349338.3(FOXP1):c.511-1G>A

Gene: FOXP1 (forkhead box P1; minus strand). Cytogenetic location: 3p13.
Variant type: single nucleotide variant.
Coding change: c.511-1G>A on transcript NM_001349338.3 (MANE Select); the canonical splice acceptor site of the intron before coding-DNA position 511, G replaced by A.
Molecular consequence: splice acceptor variant.
Genome position (GRCh38, 1-based): chr3:71,047,096, C>T on the plus strand (G>A on the coding strand, the complement: FOXP1 is on the minus strand). VCF-style: chr3-71047096-C-T. GRCh37 (hg19) VCF-style: chr3-71096247-C-T.
Other names: c.208-1G>A (NM_001349343.3, NM_001349337.2, NM_001349344.3); c.211-1G>A (NM_001349342.3, NM_001370548.1, NM_001244815.2 and 1 more transcripts); c.511-1G>A (NM_001244816.2, NM_001244814.3, NM_001244810.2 and 4 more transcripts); c.283-1G>A (NM_001244812.3); c.508-1G>A (NM_001349341.3).
Identifiers: ClinVar variation 3897177 (VCV003897177.5).